The following is an entry in ClinVar:

ClinVar aggregate classification (germline): Uncertain significance. Review status: criteria provided, multiple submitters, no conflicts (2 of 4 stars). 2 submissions from 2 submitters: Uncertain significance (2). Last evaluated 2024-02-16.

Conditions:
Cardiovascular phenotype. Identifiers: MedGen CN230736.

Allele frequency attached by ClinVar (database versions not stated): TOPMed below 0.00001; gnomAD 0.00001; gnomAD exomes 0.00001; ExAC 0.00006.
gnomAD v4.1: 13 of 1,547,548 alleles (0.00084%); highest among the groups gnomAD compares: Non-Finnish European, 0.0011%; no homozygotes.

Submissions (2):

Labcorp Genetics (formerly Invitae), Labcorp
Classification: Uncertain significance. Last evaluated: 2024-02-16. Review status: criteria provided, single submitter. Criteria: Invitae Variant Classification Sherloc (09022015). Collection method: clinical testing. Allele origin: germline.
Comment: This sequence change replaces glutamic acid, which is acidic and polar, with glycine, which is neutral and non-polar, at codon 3474 of the ZNF469 protein (p.Glu3474Gly). This variant is present in population databases (rs768435913, gnomAD 0.006%). This variant has not been reported in the literature in individuals affected with ZNF469-related conditions. ClinVar contains an entry for this variant (Variation ID: 2561850). An algorithm developed to predict the effect of missense changes on protein structure and function (PolyPhen-2) suggests that this variant is likely to be disruptive. In summary, the available evidence is currently insufficient to determine the role of this variant in disease. Therefore, it has been classified as a Variant of Uncertain Significance.

Ambry Genetics
Classification: Uncertain significance for Cardiovascular phenotype. Last evaluated: 2023-05-12. Review status: criteria provided, single submitter. Criteria: Ambry Variant Classification Scheme 2023. Collection method: clinical testing. Allele origin: germline.
Comment: The p.E3474G variant (also known as c.10421A>G), located in coding exon 2 of the ZNF469 gene, results from an A to G substitution at nucleotide position 10421. The glutamic acid at codon 3474 is replaced by glycine, an amino acid with similar properties. This amino acid position is conserved. In addition, this alteration is predicted to be tolerated by in silico analysis. Since supporting evidence is limited at this time, the clinical significance of this alteration remains unclear.

NM_001367624.2(ZNF469):c.10505A>G (p.Glu3502Gly)

Gene: ZNF469 (zinc finger protein 469; plus strand). Cytogenetic location: 16q24.2.
Variant type: single nucleotide variant.
Coding change: c.10505A>G on transcript NM_001367624.2 (MANE Select); coding-DNA position 10505, A replaced by G.
Protein change: p.Glu3502Gly; replaces glutamic acid 3502 with glycine.
Molecular consequence: missense variant.
Genome position (GRCh38, 1-based): chr16:88,437,975, A>G. VCF-style: chr16-88437975-A-G. GRCh37 (hg19) VCF-style: chr16-88504383-A-G.
Other names: NM_001127464.1:c.10421A>G; short protein forms E3502G.
Identifiers: ClinVar variation 2561850 (VCV002561850.3), dbSNP rs768435913, ClinGen allele CA8225521.